The following is an entry in ClinVar:

ClinVar aggregate classification (germline): Uncertain significance (1 of 4 stars; one submission).

Conditions:
Inborn genetic diseases. Identifiers: MedGen C0950123, MeSH D030342.

Submission:

Ambry Genetics
Classification: Uncertain significance for Inborn genetic diseases. Last evaluated: 2025-01-05. Review status: criteria provided, single submitter. Criteria: Ambry Variant Classification Scheme 2023. Collection method: clinical testing. Allele origin: germline.
Comment: The p.F135S variant (also known as c.404T>C), located in coding exon 1 of the SH2B3 gene, results from a T to C substitution at nucleotide position 404. The phenylalanine at codon 135 is replaced by serine, an amino acid with highly dissimilar properties. This amino acid position is conserved. In addition, this alteration is predicted to be tolerated by in silico analysis. Based on the available evidence, the clinical significance of this variant remains unclear.

NM_005475.3(SH2B3):c.404T>C (p.Phe135Ser)

Gene: SH2B3 (SH2B adaptor protein 3; plus strand). Cytogenetic location: 12q24.12.
Variant type: single nucleotide variant.
Coding change: c.404T>C on transcript NM_005475.3 (MANE Select); coding-DNA position 404, T replaced by C.
Protein change: p.Phe135Ser; replaces phenylalanine 135 with serine.
Molecular consequence: missense variant.
Genome position (GRCh38, 1-based): chr12:111,418,549, T>C. VCF-style: chr12-111418549-T-C. GRCh37 (hg19) VCF-style: chr12-111856353-T-C.
Other names: short protein forms F135S.
Identifiers: ClinVar variation 3795072 (VCV003795072.1).
Genomic context (GRCh38, chr12:111,418,549, plus strand): 5'-TGCCCAAGGCCCGCAGCTCTGAGGAGCTGGCCCCGCCGCGGCCGCCCGGGCCCTGCTCCT[T>C]CCAGCACTTTCGCCGCAGCCTCCGCCACATCTTCCGCCGCCGCTCGGCCGGGGAGCTGCC-3'
Protein context (NP_005466.1, residues 125-145): APPRPPGPCS[Phe135Ser]QHFRRSLRHI